The following is an entry in ClinVar:

NM_004608.4(TBX6):c.1301C>G (p.Pro434Arg)

Gene: TBX6 (T-box transcription factor 6; minus strand). Cytogenetic location: 16p11.2.
Variant type: single nucleotide variant.
Coding change: c.1301C>G on transcript NM_004608.4 (MANE Select); coding-DNA position 1301, C replaced by G.
Protein change: p.Pro434Arg; replaces proline 434 with arginine.
Molecular consequence: missense variant.
Genome position (GRCh38, 1-based): chr16:30,086,235, G>C on the plus strand (C>G on the coding strand, the complement: TBX6 is on the minus strand). VCF-style: chr16-30086235-G-C. GRCh37 (hg19) VCF-style: chr16-30097556-G-C.
Other names: short protein forms P434R.
Identifiers: ClinVar variation 1312740 (VCV001312740.2), dbSNP rs2151030857, ClinGen allele CA395512014.
Genomic context (GRCh38, chr16:30,086,235, plus strand): 5'-GGGAAGGGAGCGGGAGGTTTGTGATGGAGGCAGAGGGGCCCAGCAGTGGTTCAGTACATG[G>C]GTTTGGAGCCCACATCCAGATAGCCCCCAGGCGCGGTGTATGGTAGAGGGAAGGGGCCCC-3'
Protein context (NP_004599.2, residues 424-436): PGGYLDVGSK[Pro434Arg]MY

ClinVar aggregate classification (germline): Uncertain significance (1 of 4 stars; one submission).

Submission:

GeneDx
Classification: Uncertain significance. Last evaluated: 2020-06-29. Review status: criteria provided, single submitter. Criteria: GeneDx Variant Classification Process June 2021. Collection method: clinical testing. Allele origin: germline. Affected: yes.
Comment: Not observed in large population cohorts (Lek et al., 2016); In silico analysis supports that this missense variant has a deleterious effect on protein structure/function; Has not been previously published as pathogenic or benign to our knowledge